The following is an entry in ClinVar:

NM_017950.4(CCDC40):c.1276G>T (p.Glu426Ter)

Gene: CCDC40 (coiled-coil domain 40 molecular ruler complex subunit; plus strand). Cytogenetic location: 17q25.3.
Variant type: single nucleotide variant.
Coding change: c.1276G>T on transcript NM_017950.4 (MANE Select); coding-DNA position 1276, G replaced by T.
Protein change: p.Glu426Ter; replaces glutamic acid 426 with a stop codon.
Molecular consequence: nonsense.
Genome position (GRCh38, 1-based): chr17:80,058,610, G>T. VCF-style: chr17-80058610-G-T. GRCh37 (hg19) VCF-style: chr17-78032409-G-T.
Other names: c.1276G>T, p.Glu426Ter (NM_001243342.2, NM_001330508.2); short protein forms E426*.
Identifiers: ClinVar variation 407770 (VCV000407770.21), dbSNP rs775299709, ClinGen allele CA16615716.
Genomic context (GRCh38, chr17:80,058,610, plus strand): 5'-AACATCGACCAGGACATGCGTGACGACATCCGCGTGATGACACAAGTGGTAAAGAAGGCC[G>T]AGACGGAGAGGATCCGGGCAGAAATCGAGAAGAAAAAGCAGGTATTCTGCAAACTCGACA-3'

ClinVar aggregate classification (germline): Pathogenic. Review status: criteria provided, multiple submitters, no conflicts (2 of 4 stars). 3 submissions from 3 submitters: Pathogenic (3). Last evaluated 2023-01-13.

Conditions:
Primary ciliary dyskinesia 15. Also called: CILIARY DYSKINESIA, PRIMARY, 15, WITH OR WITHOUT SITUS INVERSUS. Identifiers: Orphanet 244, MedGen C3151137, MONDO:0013435, OMIM 613808.
Primary ciliary dyskinesia. Also called: Ciliary dyskinesia. Identifiers: Orphanet 244, MedGen C0008780, MONDO:0016575, HP:0012265.

gnomAD v4.1: 1 of 1,614,246 alleles (0.000062%); highest among the groups gnomAD compares: Non-Finnish European, 0.000085%; no homozygotes.

Submissions (3):

Labcorp Genetics (formerly Invitae), Labcorp
Classification: Pathogenic for Primary ciliary dyskinesia. Last evaluated: 2023-01-13. Review status: criteria provided, single submitter. Criteria: Invitae Variant Classification Sherloc (09022015). Collection method: clinical testing. Allele origin: germline.
Comment: For these reasons, this variant has been classified as Pathogenic. ClinVar contains an entry for this variant (Variation ID: 407770). This variant has not been reported in the literature in individuals affected with CCDC40-related conditions. This variant is not present in population databases (gnomAD no frequency). This sequence change creates a premature translational stop signal (p.Glu426*) in the CCDC40 gene. It is expected to result in an absent or disrupted protein product. Loss-of-function variants in CCDC40 are known to be pathogenic (PMID: 21131974, 22693285, 23255504).

Revvity Omics, Revvity
Classification: Pathogenic for Primary ciliary dyskinesia 15. Last evaluated: 2020-02-18. Review status: criteria provided, single submitter. Criteria: ACMG Guidelines, 2015. Collection method: clinical testing. Allele origin: germline.

Ambry Genetics
Classification: Pathogenic for Primary ciliary dyskinesia. Last evaluated: 2016-08-01. Review status: criteria provided, single submitter. Criteria: Ambry Variant Classification Scheme 2023. Collection method: clinical testing. Allele origin: germline.
Comment: The p.E426* pathogenic mutation (also known as c.1276G>T), located in coding exon 8 of the CCDC40 gene, results from a G to T substitution at nucleotide position 1276. This changes the amino acid from a glutamic acid to a stop codon within coding exon 8. This alteration is expected to result in loss of function by premature protein truncation or nonsense-mediated mRNA decay. As such, this alteration is interpreted as a disease-causing mutation.

Literature cited by the submitters: PubMed 21131974 (cited by Labcorp Genetics (formerly Invitae), Labcorp); PubMed 22693285 (cited by Labcorp Genetics (formerly Invitae), Labcorp); PubMed 23255504 (cited by Labcorp Genetics (formerly Invitae), Labcorp).